The following is an entry in ClinVar:

ClinVar aggregate classification (germline): Pathogenic (1 of 4 stars; one submission).

Conditions:
Capillary malformation-arteriovenous malformation syndrome. Also called: Capillary malformation-arteriovenous malformation. Identifiers: Orphanet 137667, MedGen C1842180, MONDO:0012016.

Submission:

Labcorp Genetics (formerly Invitae), Labcorp
Classification: Pathogenic for Capillary malformation-arteriovenous malformation syndrome. Last evaluated: 2024-03-24. Review status: criteria provided, single submitter. Criteria: Invitae Variant Classification Sherloc (09022015). Collection method: clinical testing. Allele origin: germline.
Comment: This sequence change creates a premature translational stop signal (p.Asp645*) in the RASA1 gene. It is expected to result in an absent or disrupted protein product. Loss-of-function variants in RASA1 are known to be pathogenic (PMID: 24038909). This variant is not present in population databases (gnomAD no frequency). This variant has not been reported in the literature in individuals affected with RASA1-related conditions. ClinVar contains an entry for this variant (Variation ID: 2036690). For these reasons, this variant has been classified as Pathogenic.

Literature cited by the submitters: PubMed 24038909.

NM_002890.3(RASA1):c.1932dup (p.Asp645Ter)

Genes: CCNH (cyclin H; minus strand), RASA1 (RAS p21 protein activator 1; plus strand). Cytogenetic location: 5q14.3.
Variant type: Duplication.
Coding change: c.1932dup on transcript NM_002890.3 (MANE Select); coding-DNA position 1932, one base duplicated (T; older notation c.1932dupT).
Protein change: p.Asp645Ter; replaces aspartic acid 645 with a stop codon.
Molecular consequence: nonsense. On other transcripts: intron variant (1).
Genome position (GRCh38, 1-based): chr5:87,374,318, T duplicated; the last of 3 consecutive T bases (chr5:87,374,316-87,374,318); duplicating any one gives the same sequence. VCF-style (leftmost placement, unchanged base first): chr5-87374315-C-CT. GRCh37 (hg19) VCF-style: chr5-86670132-C-CT.
Other names: c.1401dup, p.Asp468Ter (NM_022650.3); c.933+20728dup (NM_001364075.2); short protein forms D468*, D645*.
Identifiers: ClinVar variation 2036690 (VCV002036690.4), dbSNP rs2531339089, ClinGen allele CA2580073684.